The following is an entry in ClinVar:

NM_203447.4(DOCK8):c.2988G>C (p.Gln996His)

Gene: DOCK8 (dedicator of cytokinesis 8; plus strand). Cytogenetic location: 9p24.3.
Variant type: single nucleotide variant.
Coding change: c.2988G>C on transcript NM_203447.4 (MANE Select); coding-DNA position 2988, G replaced by C.
Protein change: p.Gln996His; replaces glutamine 996 with histidine.
Molecular consequence: missense variant.
Genome position (GRCh38, 1-based): chr9:396,802, G>C. VCF-style: chr9-396802-G-C. GRCh37 (hg19) VCF-style: chr9-396802-G-C.
Other names: c.2688G>C, p.Gln896His (NM_001190458.2); c.2784G>C, p.Gln928His (NM_001193536.2); short protein forms Q928H, Q896H, Q996H.
Identifiers: ClinVar variation 1909353 (VCV001909353.6), dbSNP rs752239200, ClinGen allele CA4958458.

ClinVar aggregate classification (germline): Uncertain significance. Review status: criteria provided, multiple submitters, no conflicts (2 of 4 stars). 2 submissions from 2 submitters: Uncertain significance (2). Last evaluated 2025-03-22.

Conditions:
Inborn genetic diseases. Identifiers: MedGen C0950123, MeSH D030342.
Combined immunodeficiency due to DOCK8 deficiency (HIES2). Also called: HIES autosomal recessive; HYPER-IgE RECURRENT INFECTION SYNDROME 2, AUTOSOMAL RECESSIVE; HYPER-IgE SYNDROME 2, AUTOSOMAL RECESSIVE, WITH RECURRENT INFECTIONS; Hyper-IgE recurrent infection syndrome, autosomal recessive; DOCK8 Deficiency. Identifiers: Orphanet 217390, MedGen C4722305, MONDO:0009478, OMIM 243700.

gnomAD v4.1: 2 of 1,614,060 alleles (0.00012%); highest among the groups gnomAD compares: East Asian, 0.0045%; no homozygotes.

Submissions (2):

Labcorp Genetics (formerly Invitae), Labcorp
Classification: Uncertain significance for Combined immunodeficiency due to DOCK8 deficiency. Last evaluated: 2025-03-22. Review status: criteria provided, single submitter. Criteria: Invitae Variant Classification Sherloc (09022015). Collection method: clinical testing. Allele origin: germline.
Comment: This sequence change replaces glutamine, which is neutral and polar, with histidine, which is basic and polar, at codon 996 of the DOCK8 protein (p.Gln996His). This variant is present in population databases (rs752239200, gnomAD 0.02%). This variant has not been reported in the literature in individuals affected with DOCK8-related conditions. ClinVar contains an entry for this variant (Variation ID: 1909353). Invitae Evidence Modeling of protein sequence and biophysical properties (such as structural, functional, and spatial information, amino acid conservation, physicochemical variation, residue mobility, and thermodynamic stability) indicates that this missense variant is not expected to disrupt DOCK8 protein function with a negative predictive value of 80%. In summary, the available evidence is currently insufficient to determine the role of this variant in disease. Therefore, it has been classified as a Variant of Uncertain Significance.

Ambry Genetics
Classification: Uncertain significance for Inborn genetic diseases. Last evaluated: 2023-12-14. Review status: criteria provided, single submitter. Criteria: Ambry Variant Classification Scheme 2023. Collection method: clinical testing. Allele origin: germline.